The following is an entry in ClinVar:

NM_020777.3(SORCS2):c.3237C>A (p.Gly1079=)

Gene: SORCS2 (sortilin related VPS10 domain containing receptor 2; plus strand). Cytogenetic location: 4p16.1.
Variant type: single nucleotide variant.
Coding change: c.3237C>A on transcript NM_020777.3 (MANE Select); coding-DNA position 3237, C replaced by A.
Protein change: p.Gly1079=; no amino-acid change (glycine 1079 retained).
Molecular consequence: synonymous variant.
Genome position (GRCh38, 1-based): chr4:7,734,300, C>A. VCF-style: chr4-7734300-C-A. GRCh37 (hg19) VCF-style: chr4-7736027-C-A.
Identifiers: ClinVar variation 2654638 (VCV002654638.24), dbSNP rs374977419, ClinGen allele CA2846259.

ClinVar aggregate classification (germline): Likely benign (1 of 4 stars; one submission).

Allele frequency attached by ClinVar (database versions not stated): gnomAD 0.00007; TOPMed 0.00011; ESP Exome Variant Server 0.00016; ExAC 0.00027.
gnomAD v4.1: 171 of 1,603,290 alleles (0.011%); highest among the groups gnomAD compares: Non-Finnish European, 0.014%; no homozygotes.

Submission:

CeGaT Center for Human Genetics Tuebingen
Classification: Likely benign. Last evaluated: 2022-06-01. Review status: criteria provided, single submitter. Criteria: CeGaT Center For Human Genetics Tuebingen Variant Classification Criteria Version 2. Collection method: clinical testing. Allele origin: germline. Affected: yes. Observed: 1 variant allele.
Comment: SORCS2: BP4, BP7